The following is an entry in ClinVar:

ClinVar aggregate classification (germline): Uncertain significance. Review status: criteria provided, multiple submitters, no conflicts (2 of 4 stars). 2 submissions from 2 submitters: Uncertain significance (2). Last evaluated 2025-08-03.

Conditions:
Inborn genetic diseases. Identifiers: MedGen C0950123, MeSH D030342.

Allele frequency attached by ClinVar (database versions not stated): gnomAD exomes 0.00016; ExAC 0.00021.
gnomAD v4.1: 34 of 1,396,392 alleles (0.0024%); highest among the groups gnomAD compares: Admixed American, 0.025%; no homozygotes.

Submissions (2):

Ambry Genetics
Classification: Uncertain significance for Inborn genetic diseases. Last evaluated: 2025-08-03. Review status: criteria provided, single submitter. Criteria: Ambry Variant Classification Scheme 2023. Collection method: clinical testing. Allele origin: germline.

Labcorp Genetics (formerly Invitae), Labcorp
Classification: Uncertain significance. Last evaluated: 2024-10-25. Review status: criteria provided, single submitter. Criteria: Invitae Variant Classification Sherloc (09022015). Collection method: clinical testing. Allele origin: germline.
Comment: This sequence change replaces proline, which is neutral and non-polar, with threonine, which is neutral and polar, at codon 940 of the COL18A1 protein (p.Pro940Thr). The frequency data for this variant in the population databases is considered unreliable, as metrics indicate poor data quality at this position in the gnomAD database. This variant has not been reported in the literature in individuals affected with COL18A1-related conditions. ClinVar contains an entry for this variant (Variation ID: 1489041). Experimental studies and prediction algorithms are not available or were not evaluated, and the functional significance of this variant is currently unknown. In summary, the available evidence is currently insufficient to determine the role of this variant in disease. Therefore, it has been classified as a Variant of Uncertain Significance.

NM_001379500.1(COL18A1):c.2818C>A (p.Pro940Thr)

Genes: COL18A1 (collagen type XVIII alpha 1 chain; plus strand), SLC19A1 (solute carrier family 19 member 1; minus strand). Cytogenetic location: 21q22.3.
Variant type: single nucleotide variant.
Coding change: c.2818C>A on transcript NM_001379500.1 (MANE Select); coding-DNA position 2818, C replaced by A.
Protein change: p.Pro940Thr; replaces proline 940 with threonine.
Molecular consequence: missense variant.
Genome position (GRCh38, 1-based): chr21:45,504,506, C>A. VCF-style: chr21-45504506-C-A. GRCh37 (hg19) VCF-style: chr21-46924420-C-A.
Other names: NM_130445.2:c.2818C>A; c.3358C>A, p.Pro1120Thr (NM_030582.4); c.4063C>A, p.Pro1355Thr (NM_130444.3); short protein forms P1120T, P1355T, P940T.
Identifiers: ClinVar variation 1489041 (VCV001489041.5), dbSNP rs759572850, ClinGen allele CA10067487.
Genomic context (GRCh38, chr21:45,504,506, plus strand): 5'-CAGAAAGGCGAAAGGGGGGAGCCCGGGGGCGGCGGTTTCTTCGGCTCCAGCCTGCCCGGC[C>A]CCCCCGGCCCCCCAGGCCCCCCAGGCCCACGTGGCTACCCTGGGATTCCAGTAAGTCCCA-3'
Protein context (NP_001366429.1, residues 930-950): GGFFGSSLPG[Pro940Thr]PGPPGPPGPR